The following is an entry in ClinVar:

NM_001429.4(EP300):c.1553G>C (p.Gly518Ala)

Gene: EP300 (EP300 lysine acetyltransferase; plus strand). Cytogenetic location: 22q13.2.
Variant type: single nucleotide variant.
Coding change: c.1553G>C on transcript NM_001429.4 (MANE Select); coding-DNA position 1553, G replaced by C.
Protein change: p.Gly518Ala; replaces glycine 518 with alanine.
Molecular consequence: missense variant.
Genome position (GRCh38, 1-based): chr22:41,135,837, G>C. VCF-style: chr22-41135837-G-C. GRCh37 (hg19) VCF-style: chr22-41531841-G-C.
Other names: c.1553G>C, p.Gly518Ala (NM_001362843.2); short protein forms G518A.
Identifiers: ClinVar variation 2113015 (VCV002113015.4), dbSNP rs2518139144, ClinGen allele CA411686661.

ClinVar aggregate classification (germline): Uncertain significance (1 of 4 stars; one submission).

Conditions:
Rubinstein-Taybi syndrome due to EP300 haploinsufficiency. Also called: EP300-Related Rubinstein-Taybi Syndrome; RUBINSTEIN-TAYBI SYNDROME 2. Identifiers: Orphanet 353284, Orphanet 783, MedGen C3150941, MONDO:0013364, OMIM 613684.

Submission:

Labcorp Genetics (formerly Invitae), Labcorp
Classification: Uncertain significance for Rubinstein-Taybi syndrome due to EP300 haploinsufficiency. Last evaluated: 2024-09-16. Review status: criteria provided, single submitter. Criteria: Invitae Variant Classification Sherloc (09022015). Collection method: clinical testing. Allele origin: germline.
Comment: This sequence change replaces glycine, which is neutral and non-polar, with alanine, which is neutral and non-polar, at codon 518 of the EP300 protein (p.Gly518Ala). This variant is not present in population databases (gnomAD no frequency). This variant has not been reported in the literature in individuals affected with EP300-related conditions. ClinVar contains an entry for this variant (Variation ID: 2113015). Invitae Evidence Modeling of protein sequence and biophysical properties (such as structural, functional, and spatial information, amino acid conservation, physicochemical variation, residue mobility, and thermodynamic stability) indicates that this missense variant is not expected to disrupt EP300 protein function with a negative predictive value of 95%. In summary, the available evidence is currently insufficient to determine the role of this variant in disease. Therefore, it has been classified as a Variant of Uncertain Significance.